The following is an entry in ClinVar:

NM_003982.4(SLC7A7):c.482_495del (p.Leu161fs)

Gene: SLC7A7 (solute carrier family 7 member 7; minus strand). Cytogenetic location: 14q11.2.
Variant type: Deletion.
Coding change: c.482_495del on transcript NM_003982.4 (MANE Select); coding-DNA positions 482 to 495, 14 bases deleted (TGGCTGCTGCCTGC).
Protein change: p.Leu161fs; shifts the reading frame from leucine 161.
Molecular consequence: frameshift variant.
Genome position (GRCh38, 1-based): chr14:22,812,904-22,812,917, GCAGGCAGCAGCCA deleted on the plus strand (TGGCTGCTGCCTGC on the coding strand, the reverse complement: SLC7A7 is on the minus strand); deleting any 14 consecutive bases within chr14:22,812,904-22,812,923 gives the same sequence; the c. name uses the placement nearest the transcript's 3' end. VCF-style (leftmost placement, unchanged base first): chr14-22812903-TGCAGGCAGCAGCCA-T. GRCh37 (hg19) VCF-style: chr14-23282112-TGCAGGCAGCAGCCA-T.
Other names: c.482_495del, p.Leu161fs (NM_001126105.3, NM_001126106.4); short protein forms L161fs.
Identifiers: ClinVar variation 4775464 (VCV004775464.1).

ClinVar aggregate classification (germline): Pathogenic (1 of 4 stars; one submission).

Conditions:
Lysinuric protein intolerance (LPI). Identifiers: Orphanet 470, MedGen C0268647, MONDO:0009109, OMIM 222700.

Submission:

Labcorp Genetics (formerly Invitae), Labcorp
Classification: Pathogenic for Lysinuric protein intolerance. Last evaluated: 2026-01-25. Review status: criteria provided, single submitter. Criteria: Invitae Variant Classification Sherloc (09022015). Collection method: clinical testing. Allele origin: germline.
Comment: This sequence change creates a premature translational stop signal (p.Leu161Hisfs*8) in the SLC7A7 gene. It is expected to result in an absent or disrupted protein product. Loss-of-function variants in SLC7A7 are known to be pathogenic (PMID: 10631139, 17764084). This variant is not present in population databases (gnomAD no frequency). This variant has not been reported in the literature in individuals affected with SLC7A7-related conditions. For these reasons, this variant has been classified as Pathogenic.

Literature cited by the submitters: PubMed 10631139; PubMed 17764084.